The following is an entry in ClinVar:

NM_001184880.2(PCDH19):c.539C>G (p.Thr180Arg)

Gene: PCDH19 (protocadherin 19; minus strand). Cytogenetic location: Xq22.1.
Variant type: single nucleotide variant.
Coding change: c.539C>G on transcript NM_001184880.2 (MANE Select); coding-DNA position 539, C replaced by G.
Protein change: p.Thr180Arg; replaces threonine 180 with arginine.
Molecular consequence: missense variant.
Genome position (GRCh38, 1-based): chrX:100,408,059, G>C on the plus strand (C>G on the coding strand, the complement: PCDH19 is on the minus strand). VCF-style: chrX-100408059-G-C. GRCh37 (hg19) VCF-style: chrX-99663057-G-C.
Other names: c.539C>G, p.Thr180Arg (NM_001105243.2, NM_020766.3); c.539C>G (NM_001184880.1); short protein forms T180R.
Identifiers: ClinVar variation 206317 (VCV000206317.16), dbSNP rs796052803, ClinGen allele CA316307.

ClinVar aggregate classification (germline): Uncertain significance. Review status: criteria provided, multiple submitters, no conflicts (2 of 4 stars). 6 submissions from 6 submitters: Uncertain significance (6). Last evaluated 2025-11-27.

Conditions:
Inborn genetic diseases. Identifiers: MedGen C0950123, MeSH D030342.
Developmental and epileptic encephalopathy, 9 (DEE9). Also called: JUBERG-HELLMAN SYNDROME; EPILEPSY, FEMALE-RESTRICTED, WITH MENTAL RETARDATION; Early infantile epileptic encephalopathy 9; PCDH19-Related X-Linked Female-Limited Epilepsy with Mental Retardation. Identifiers: Orphanet 101039, Orphanet 2076, MedGen C1848137, MONDO:0010246, OMIM 300088. Disease mechanism: loss of function.

Allele frequency attached by ClinVar (database versions not stated): gnomAD exomes below 0.00001; TOPMed 0.00002; gnomAD 0.00003.
gnomAD v4.1: 5 of 1,208,402 alleles (0.00041%); highest among the groups gnomAD compares: Admixed American, 0.0065%; no homozygotes.

Submissions (6):

Dasa
Classification: Uncertain significance for Developmental and epileptic encephalopathy, 9. Last evaluated: 2025-11-27. Review status: criteria provided, single submitter. Criteria: DASA Assertion Criteria. Collection method: clinical testing. Allele origin: germline.
Comment: NM_001184880.2(PCDH19):c.539C>G (p.Thr180Arg) is a missense variant that results in the substitution of threonine with arginine. The affected residue or protein region has prior evidence supporting clinical relevance. This variant is rare in population databases. The currently available literature and clinical evidence are not sufficient to establish a definitive association between this variant and the reported condition. Therefore, this variant is classified as a variant of uncertain significance.

Ambry Genetics
Classification: Uncertain significance for Inborn genetic diseases. Last evaluated: 2025-08-08. Review status: criteria provided, single submitter. Criteria: Ambry Variant Classification Scheme 2023. Collection method: clinical testing. Allele origin: germline.
Comment: The c.539C>G (p.T180R) alteration is located in exon 1 (coding exon 1) of the PCDH19 gene. This alteration results from a C to G substitution at nucleotide position 539, causing the threonine (T) at amino acid position 180 to be replaced by an arginine (R). This variant was not reported in population-based cohorts in the Genome Aggregation Database (gnomAD). This amino acid position is well conserved in available vertebrate species. This missense alteration is located in a region that has a low rate of benign missense variation (Lek, 2016; Firth, 2009). The in silico prediction for this alteration is inconclusive. Based on insufficient or conflicting evidence, the clinical significance of this alteration remains unclear.

Labcorp Genetics (formerly Invitae), Labcorp
Classification: Uncertain significance for Developmental and epileptic encephalopathy, 9. Last evaluated: 2024-10-31. Review status: criteria provided, single submitter. Criteria: Invitae Variant Classification Sherloc (09022015). Collection method: clinical testing. Allele origin: germline.
Comment: This sequence change replaces threonine, which is neutral and polar, with arginine, which is basic and polar, at codon 180 of the PCDH19 protein (p.Thr180Arg). This variant is not present in population databases (gnomAD no frequency). This variant has not been reported in the literature in individuals affected with PCDH19-related conditions. ClinVar contains an entry for this variant (Variation ID: 206317). Invitae Evidence Modeling of protein sequence and biophysical properties (such as structural, functional, and spatial information, amino acid conservation, physicochemical variation, residue mobility, and thermodynamic stability) has been performed for this missense variant. However, the output from this modeling did not meet the statistical confidence thresholds required to predict the impact of this variant on PCDH19 protein function. In summary, the available evidence is currently insufficient to determine the role of this variant in disease. Therefore, it has been classified as a Variant of Uncertain Significance.

Blueprint Genetics
Classification: Uncertain significance. Last evaluated: 2023-09-25. Review status: criteria provided, single submitter. Criteria: ACMG Guidelines, 2015. Collection method: clinical testing. Allele origin: germline.

New York Genome Center
Classification: Uncertain significance for Developmental and epileptic encephalopathy, 9. Last evaluated: 2021-06-23. Review status: criteria provided, single submitter. Criteria: NYGC Assertion Criteria 2020. Collection method: clinical testing. Allele origin: germline. Observed: 1 heterozygote. Study: CSER-NYCKidSeq.
Comment: The c.539C>G (p.Thr180Arg) variant identified in the PCDH19 gene substitutes a well conserved Threonine for Arginine at amino acid 180/1149 (exon1/6). This variant is found with low frequency in gnomAD(V3.1.1) (3 heterozygotes, 0 homozygotes, 0 hemizygotes; allele frequency: 2.65e-5) suggesting it is not a common benign variant in the populations represented in that database. In silico algorithms predict this variant to be Damaging (SIFT; score:0.00) and Benign (REVEL; score:0.3869) to the function of the canonical transcript. The c.539C>G (p.Thr180Arg) variant is reported as a Variant of Uncertain Significance in ClinVar(VarID:206317) and to our current knowledge has not been reported in affected individuals in the literature. The p.Thr180 residue is within the second Cadherin domain of PCDH19 (UniProtKB:Q8TAB3). Given the lack of compelling evidence for its pathogenicity, the c.539C>G (p.Thr180Arg) variant identified in the PCDH19 gene of this individual is reported here as a Variant of Uncertain Significance..

Eurofins Ntd Llc (ga)
Classification: Uncertain significance. Last evaluated: 2015-11-09. Review status: criteria provided, single submitter. Criteria: EGL Classification Definitions 2015. Collection method: clinical testing. Allele origin: germline. Observed: 1 variant allele, 1 hemizygote.